The following is an entry in ClinVar:

NM_025248.3(SRCIN1):c.1236G>A (p.Ala412=)

Gene: SRCIN1 (SRC kinase signaling inhibitor 1; minus strand). Cytogenetic location: 17q12.
Variant type: single nucleotide variant.
Coding change: c.1236G>A on transcript NM_025248.3 (MANE Select); coding-DNA position 1236, G replaced by A.
Protein change: p.Ala412=; no amino-acid change (alanine 412 retained).
Molecular consequence: synonymous variant.
Genome position (GRCh38, 1-based): chr17:38,561,927, C>T on the plus strand (G>A on the coding strand, the complement: SRCIN1 is on the minus strand). VCF-style: chr17-38561927-C-T. GRCh37 (hg19) VCF-style: chr17-36718163-C-T.
Identifiers: ClinVar variation 2647703 (VCV002647703.24), dbSNP rs377230656, ClinGen allele CA8523399.

ClinVar aggregate classification (germline): Benign (1 of 4 stars; one submission).

Allele frequency attached by ClinVar (database versions not stated): 1000 Genomes Project 0.00120; ESP Exome Variant Server 0.00248; 1000 Genomes Project 30x 0.00297; TOPMed 0.00369; gnomAD 0.00411; ExAC 0.00650.
gnomAD v4.1: 8,902 of 1,450,116 alleles (0.61%); highest among the groups gnomAD compares: Non-Finnish European, 0.71%; 43 homozygotes.

Submission:

CeGaT Center for Human Genetics Tuebingen
Classification: Benign. Last evaluated: 2022-09-01. Review status: criteria provided, single submitter. Criteria: CeGaT Center For Human Genetics Tuebingen Variant Classification Criteria Version 2. Collection method: clinical testing. Allele origin: germline. Affected: yes. Observed: 1 variant allele.
Comment: SRCIN1: BS1, BS2